The following is an entry in ClinVar:

ClinVar aggregate classification (germline): Uncertain significance (1 of 4 stars; one submission).

Conditions:
TP63-Related Spectrum Disorders.

Allele frequency attached by ClinVar (database versions not stated): gnomAD exomes below 0.00001; gnomAD 0.00001.
gnomAD v4.1: 4 of 1,613,866 alleles (0.00025%); highest among the groups gnomAD compares: Non-Finnish European, 0.00034%; no homozygotes.

Submission:

Labcorp Genetics (formerly Invitae), Labcorp
Classification: Uncertain significance. Last evaluated: 2021-11-22. Review status: criteria provided, single submitter. Criteria: Invitae Variant Classification Sherloc (09022015). Collection method: clinical testing. Allele origin: germline.
Comment: In summary, the available evidence is currently insufficient to determine the role of this variant in disease. Therefore, it has been classified as a Variant of Uncertain Significance. Variants that disrupt the consensus splice site are a relatively common cause of aberrant splicing (PMID: 17576681, 9536098). Algorithms developed to predict the effect of sequence changes on RNA splicing suggest that this variant may disrupt the consensus splice site. This variant has not been reported in the literature in individuals affected with TP63-related conditions. This variant is not present in population databases (gnomAD no frequency). This sequence change falls in intron 8 of the TP63 gene. It does not directly change the encoded amino acid sequence of the TP63 protein. It affects a nucleotide within the consensus splice site.

Literature cited by the submitters: PubMed 17576681; PubMed 9536098.

NM_003722.5(TP63):c.1129+5G>A

Gene: TP63 (tumor protein p63; plus strand). Cytogenetic location: 3q28.
Variant type: single nucleotide variant.
Coding change: c.1129+5G>A on transcript NM_003722.5 (MANE Select); 5 bases into the intron after coding-DNA position 1129, G replaced by A.
Molecular consequence: intron variant.
Genome position (GRCh38, 1-based): chr3:189,868,721, G>A. VCF-style: chr3-189868721-G-A. GRCh37 (hg19) VCF-style: chr3-189586510-G-A.
Other names: c.1123+5G>A (NM_001329964.2); c.1129+5G>A (NM_001114978.2, NM_001329144.2, NM_001114979.2); c.1117+17G>A (NM_001329148.2); c.847+5G>A (NM_001114980.2, NM_001114981.2, NM_001329145.2 and 1 more transcripts); c.835+17G>A (NM_001329149.2); c.592+5G>A (NM_001329146.2); c.580+17G>A (NM_001329150.2).
Identifiers: ClinVar variation 1460983 (VCV001460983.5), dbSNP rs1718038380, ClinGen allele CA1057639855.